The following is an entry in ClinVar:

NM_000053.4(ATP7B):c.2641G>A (p.Gly881Ser)

Gene: ATP7B (ATPase copper transporting beta; minus strand). Cytogenetic location: 13q14.3.
Variant type: single nucleotide variant.
Coding change: c.2641G>A on transcript NM_000053.4 (MANE Select); coding-DNA position 2641, G replaced by A.
Protein change: p.Gly881Ser; replaces glycine 881 with serine.
Molecular consequence: missense variant.
Genome position (GRCh38, 1-based): chr13:51,950,096, C>T on the plus strand (G>A on the coding strand, the complement: ATP7B is on the minus strand). VCF-style: chr13-51950096-C-T. GRCh37 (hg19) VCF-style: chr13-52524232-C-T.
Other names: c.2155G>A, p.Gly719Ser (NM_001005918.3); c.2308G>A, p.Gly770Ser (NM_001243182.2); c.2407G>A, p.Gly803Ser (NM_001330578.2); c.2389G>A, p.Gly797Ser (NM_001330579.2); short protein forms G719S, G803S, G881S, G797S, G770S.
Identifiers: ClinVar variation 1498975 (VCV001498975.9), dbSNP rs2139208285, ClinGen allele CA388034612.

ClinVar aggregate classification (germline): Uncertain significance. Review status: criteria provided, multiple submitters, no conflicts (2 of 4 stars). 2 submissions from 2 submitters: Uncertain significance (2). Last evaluated 2023-02-24.

Conditions:
Wilson disease (WND). Also called: Wilson's disease. Identifiers: Orphanet 905, MedGen C0019202, MONDO:0010200, OMIM 277900. Disease mechanism: loss of function.

Submissions (2):

All of Us Research Program, National Institutes of Health
Classification: Uncertain significance for Wilson disease. Last evaluated: 2023-02-24. Review status: criteria provided, single submitter. Criteria: ACMG Guidelines, 2015. Collection method: clinical testing. Allele origin: germline. Inheritance: Autosomal recessive inheritance. Observed: 1 variant allele, 1 heterozygote.
Comment: This missense variant replaces glycine with serine at codon 881 of the ATP7B protein. Computational prediction suggests that this variant may have deleterious impact on protein structure and function (internally defined REVEL score threshold >= 0.7, PMID: 27666373). To our knowledge, functional studies have not been reported for this variant. This variant has not been reported in individuals affected with ATP7B-related disorders in the literature. This variant has not been identified in the general population by the Genome Aggregation Database (gnomAD). The available evidence is insufficient to determine the role of this variant in disease conclusively. Therefore, this variant is classified as a Variant of Uncertain Significance.

This study involves interpretation of variants in research participants for the purpose of population health screening. Participant phenotype was not available at the time of variant classification. Additional details can be found in publication PMID: 35346344, PMCID: PMC8962531

Labcorp Genetics (formerly Invitae), Labcorp
Classification: Uncertain significance for Wilson disease. Last evaluated: 2021-07-12. Review status: criteria provided, single submitter. Criteria: Invitae Variant Classification Sherloc (09022015). Collection method: clinical testing. Allele origin: germline.
Comment: This sequence change replaces glycine with serine at codon 881 of the ATP7B protein (p.Gly881Ser). The glycine residue is highly conserved and there is a small physicochemical difference between glycine and serine. This variant is not present in population databases (ExAC no frequency). This variant has not been reported in the literature in individuals affected with ATP7B-related conditions. Advanced modeling of protein sequence and biophysical properties (such as structural, functional, and spatial information, amino acid conservation, physicochemical variation, residue mobility, and thermodynamic stability) performed at Invitae indicates that this missense variant is expected to disrupt ATP7B protein function. Algorithms developed to predict the effect of sequence changes on RNA splicing suggest that this variant may create or strengthen a splice site. In summary, the available evidence is currently insufficient to determine the role of this variant in disease. Therefore, it has been classified as a Variant of Uncertain Significance.